The following is an entry in ClinVar:

NM_007118.4(TRIO):c.1894G>A (p.Glu632Lys)

Gene: TRIO (trio Rho guanine nucleotide exchange factor; plus strand). Cytogenetic location: 5p15.2.
Variant type: single nucleotide variant.
Coding change: c.1894G>A on transcript NM_007118.4 (MANE Select); coding-DNA position 1894, G replaced by A.
Protein change: p.Glu632Lys; replaces glutamic acid 632 with lysine.
Molecular consequence: missense variant. On other transcripts: non-coding transcript variant (1).
Genome position (GRCh38, 1-based): chr5:14,336,575, G>A. VCF-style: chr5-14336575-G-A. GRCh37 (hg19) VCF-style: chr5-14336684-G-A.
Other names: short protein forms E632K.
Identifiers: ClinVar variation 1691615 (VCV001691615.4), dbSNP rs997387706, ClinGen allele CA113944719.

ClinVar aggregate classification (germline): Uncertain significance (1 of 4 stars; one submission).

Allele frequency attached by ClinVar (database versions not stated): TOPMed below 0.00001.

Submission:

GeneDx
Classification: Uncertain significance. Last evaluated: 2024-03-07. Review status: criteria provided, single submitter. Criteria: GeneDx Variant Classification Process June 2021. Collection method: clinical testing. Allele origin: germline. Affected: yes.
Comment: Not observed at significant frequency in large population cohorts (gnomAD); In silico analysis supports that this missense variant has a deleterious effect on protein structure/function; Has not been previously published as pathogenic or benign to our knowledge